The following is an entry in ClinVar:

ClinVar aggregate classification (germline): Uncertain significance (1 of 4 stars; one submission).

gnomAD v4.1: 3 of 1,614,128 alleles (0.00019%); highest among the groups gnomAD compares: Non-Finnish European, 0.00025%; no homozygotes.

Submission:

Labcorp Genetics (formerly Invitae), Labcorp
Classification: Uncertain significance. Last evaluated: 2023-11-15. Review status: criteria provided, single submitter. Criteria: Invitae Variant Classification Sherloc (09022015). Collection method: clinical testing. Allele origin: germline.
Comment: This sequence change replaces proline, which is neutral and non-polar, with histidine, which is basic and polar, at codon 1689 of the SRCAP protein (p.Pro1689His). This variant is not present in population databases (gnomAD no frequency). This variant has not been reported in the literature in individuals affected with SRCAP-related conditions. Advanced modeling of protein sequence and biophysical properties (such as structural, functional, and spatial information, amino acid conservation, physicochemical variation, residue mobility, and thermodynamic stability) performed at Invitae indicates that this missense variant is not expected to disrupt SRCAP protein function with a negative predictive value of 80%. In summary, the available evidence is currently insufficient to determine the role of this variant in disease. Therefore, it has been classified as a Variant of Uncertain Significance.

NM_006662.3(SRCAP):c.5066C>A (p.Pro1689His)

Gene: SRCAP (Snf2 related CREBBP activator protein; plus strand). Cytogenetic location: 16p11.2.
Variant type: single nucleotide variant.
Coding change: c.5066C>A on transcript NM_006662.3 (MANE Select); coding-DNA position 5066, C replaced by A.
Protein change: p.Pro1689His; replaces proline 1689 with histidine.
Molecular consequence: missense variant.
Genome position (GRCh38, 1-based): chr16:30,724,490, C>A. VCF-style: chr16-30724490-C-A. GRCh37 (hg19) VCF-style: chr16-30735811-C-A.
Other names: short protein forms P1689H.
Identifiers: ClinVar variation 2982485 (VCV002982485.3), dbSNP rs978168056, ClinGen allele CA395617474.